The following is an entry in ClinVar:

ClinVar aggregate classification (germline): Likely benign. Review status: criteria provided, multiple submitters, no conflicts (2 of 4 stars). 3 submissions from 3 submitters: Likely benign (2). 1 of the submissions does not count toward it. Last evaluated 2026-03-01.

Conditions:
KCNT2-related disorder. Also called: KCNT2-related condition. Identifiers: MedGen CN236796.

Allele frequency attached by ClinVar (database versions not stated): 1000 Genomes Project 30x 0.00047; 1000 Genomes Project 0.00060; TOPMed 0.00071; ExAC 0.00075; gnomAD 0.00082; ESP Exome Variant Server 0.00092; gnomAD exomes 0.00135.
gnomAD v4.1: 2,066 of 1,610,636 alleles (0.13%); highest among the groups gnomAD compares: Non-Finnish European, 0.16%; 1 homozygote.

Submissions (3):

CeGaT Center for Human Genetics Tuebingen
Classification: Likely benign. Last evaluated: 2026-03-01. Review status: criteria provided, single submitter. Criteria: CeGaT Center For Human Genetics Tuebingen Variant Classification Criteria Version 2. Collection method: clinical testing. Allele origin: germline. Affected: yes. Observed: 3 variant alleles.
Comment: KCNT2: BP4, BS1

Blueprint Genetics
Classification: Likely benign. Last evaluated: 2024-11-15. Review status: criteria provided, single submitter. Criteria: ACMG Guidelines, 2015. Collection method: clinical testing. Allele origin: germline.

PreventionGenetics, part of Exact Sciences
Classification: Likely benign for KCNT2-related condition. Last evaluated: 2019-10-28. Review status: no assertion criteria provided. Collection method: clinical testing. Allele origin: germline. Not counted in ClinVar's aggregate classification.
Comment: This variant is classified as likely benign based on ACMG/AMP sequence variant interpretation guidelines (Richards et al. 2015 PMID: 25741868, with internal and published modifications).

NM_198503.5(KCNT2):c.2910+8A>G

Gene: KCNT2 (potassium sodium-activated channel subfamily T member 2; minus strand). Cytogenetic location: 1q31.3.
Variant type: single nucleotide variant.
Coding change: c.2910+8A>G on transcript NM_198503.5 (MANE Select); 8 bases into the intron after coding-DNA position 2910, A replaced by G.
Molecular consequence: intron variant.
Genome position (GRCh38, 1-based): chr1:196,280,852, T>C on the plus strand (A>G on the coding strand, the complement: KCNT2 is on the minus strand). VCF-style: chr1-196280852-T-C. GRCh37 (hg19) VCF-style: chr1-196249982-T-C.
Other names: c.2910+8A>G (NM_198503.3); c.2688+8A>G (NM_001287820.3); c.2838+8A>G (NM_001287819.3).
Identifiers: ClinVar variation 2639676 (VCV002639676.26), dbSNP rs185228317, ClinGen allele CA1304061.